The following is an entry in ClinVar:

NM_024809.5(TCTN2):c.781T>C (p.Ser261Pro)

Gene: TCTN2 (tectonic family member 2; plus strand). Cytogenetic location: 12q24.31.
Variant type: single nucleotide variant.
Coding change: c.781T>C on transcript NM_024809.5 (MANE Select); coding-DNA position 781, T replaced by C.
Protein change: p.Ser261Pro; replaces serine 261 with proline.
Molecular consequence: missense variant.
Genome position (GRCh38, 1-based): chr12:123,688,067, T>C. VCF-style: chr12-123688067-T-C. GRCh37 (hg19) VCF-style: chr12-124172614-T-C.
Other names: c.778T>C, p.Ser260Pro (NM_001143850.3); short protein forms S260P, S261P.
Identifiers: ClinVar variation 1473258 (VCV001473258.9), dbSNP rs140814969, ClinGen allele CA245162096.

ClinVar aggregate classification (germline): Uncertain significance. Review status: criteria provided, multiple submitters, no conflicts (2 of 4 stars). 2 submissions from 2 submitters: Uncertain significance (2). Last evaluated 2024-05-29.

Conditions:
Meckel-Gruber syndrome. Also called: DYSENCEPHALIA SPLANCHNOCYSTICA; GRUBER SYNDROME; Dysencephalia splachnocystica. Identifiers: Orphanet 564, MedGen C0265215, MONDO:0018921.
Joubert syndrome. Also called: CEREBELLOPARENCHYMAL DISORDER IV; JOUBERT-BOLTSHAUSER SYNDROME; Familial aplasia of the vermis. Identifiers: Orphanet 475, MedGen C5979921, MONDO:0018772.
Joubert syndrome 24 (JBTS24). Identifiers: Orphanet 475, MedGen C4084841, MONDO:0014724, OMIM 616654.
Meckel syndrome, type 8. Identifiers: Orphanet 564, MedGen C3836857, MONDO:0013482, OMIM 613885.

Allele frequency attached by ClinVar (database versions not stated): gnomAD exomes below 0.00001 and 0.00001; TOPMed 0.00002; gnomAD 0.00003; ESP Exome Variant Server 0.00008.
gnomAD v4.1: 7 of 1,614,020 alleles (0.00043%); highest among the groups gnomAD compares: African/African-American, 0.0067%; no homozygotes.

Submissions (2):

Fulgent Genetics
Classification: Uncertain significance for Meckel syndrome, type 8; Joubert syndrome 24. Last evaluated: 2024-05-29. Review status: criteria provided, single submitter. Criteria: ACMG Guidelines, 2015. Collection method: clinical testing. Allele origin: germline.

Labcorp Genetics (formerly Invitae), Labcorp
Classification: Uncertain significance for Joubert syndrome; Meckel-Gruber syndrome. Last evaluated: 2022-08-31. Review status: criteria provided, single submitter. Criteria: Invitae Variant Classification Sherloc (09022015). Collection method: clinical testing. Allele origin: germline.
Comment: In summary, the available evidence is currently insufficient to determine the role of this variant in disease. Therefore, it has been classified as a Variant of Uncertain Significance. Algorithms developed to predict the effect of missense changes on protein structure and function output the following: SIFT: "Tolerated"; PolyPhen-2: "Benign"; Align-GVGD: "Class C0". The proline amino acid residue is found in multiple mammalian species, which suggests that this missense change does not adversely affect protein function. ClinVar contains an entry for this variant (Variation ID: 1473258). This variant has not been reported in the literature in individuals affected with TCTN2-related conditions. This variant is present in population databases (rs140814969, gnomAD 0.008%). This sequence change replaces serine, which is neutral and polar, with proline, which is neutral and non-polar, at codon 261 of the TCTN2 protein (p.Ser261Pro).